The following is an entry in ClinVar:

NM_001098511.3(KIF2A):c.27C>T (p.Ile9=)

Genes: KIF2A (kinesin family member 2A; plus strand), LOC129993961 (ATAC-STARR-seq lymphoblastoid silent region 16051; plus strand). Cytogenetic location: 5q12.1.
Variant type: single nucleotide variant.
Coding change: c.27C>T on transcript NM_001098511.3 (MANE Select); coding-DNA position 27, C replaced by T.
Protein change: p.Ile9=; no amino-acid change (isoleucine 9 retained).
Molecular consequence: synonymous variant. On other transcripts: 5 prime UTR variant (1).
Genome position (GRCh38, 1-based): chr5:62,306,499, C>T. VCF-style: chr5-62306499-C-T. GRCh37 (hg19) VCF-style: chr5-61602326-C-T.
Other names: c.-258C>T (NM_001243952.2); c.27C>T, p.Ile9= (NM_001243953.2, NM_004520.5).
Identifiers: ClinVar variation 3053009 (VCV003053009.2), dbSNP rs1745280504, ClinGen allele CA444577117.

ClinVar aggregate classification (germline): Likely benign (0 of 4 stars; one submission).

Conditions:
KIF2A-related disorder. Also called: KIF2A-related condition.

gnomAD v4.1: 2 of 1,545,062 alleles (0.00013%); highest among the groups gnomAD compares: South Asian, 0.0012%; no homozygotes.

Submission:

PreventionGenetics, part of Exact Sciences
Classification: Likely benign for KIF2A-related condition. Last evaluated: 2023-05-19. Review status: no assertion criteria provided. Collection method: clinical testing. Allele origin: germline.
Comment: This variant is classified as likely benign based on ACMG/AMP sequence variant interpretation guidelines (Richards et al. 2015 PMID: 25741868, with internal and published modifications).